The following is an entry in ClinVar:

ClinVar aggregate classification (germline): Uncertain significance (1 of 4 stars; one submission).

Submission:

Mayo Clinic Laboratories, Mayo Clinic
Classification: Uncertain significance. Last evaluated: 2024-08-09. Review status: criteria provided, single submitter. Criteria: ACMG Guidelines, 2015. Collection method: clinical testing. Allele origin: germline. Observed: 1 variant allele.
Comment: BP4, PM2

NM_032237.5(POMK):c.176A>G (p.His59Arg)

Gene: POMK (protein O-mannose kinase; plus strand). Cytogenetic location: 8p11.21.
Variant type: single nucleotide variant.
Coding change: c.176A>G on transcript NM_032237.5 (MANE Select); coding-DNA position 176, A replaced by G.
Protein change: p.His59Arg; replaces histidine 59 with arginine.
Molecular consequence: missense variant.
Genome position (GRCh38, 1-based): chr8:43,103,724, A>G. VCF-style: chr8-43103724-A-G. GRCh37 (hg19) VCF-style: chr8-42958867-A-G.
Other names: p.His59Arg; c.176A>G, p.His59Arg (NM_001277971.2); short protein forms H59R.
Identifiers: ClinVar variation 3379819 (VCV003379819.1).